The following is an entry in ClinVar:

NM_004525.3(LRP2):c.12313G>A (p.Val4105Met)

Gene: LRP2 (LDL receptor related protein 2; minus strand). Cytogenetic location: 2q31.1.
Variant type: single nucleotide variant.
Coding change: c.12313G>A on transcript NM_004525.3 (MANE Select); coding-DNA position 12313, G replaced by A.
Protein change: p.Val4105Met; replaces valine 4105 with methionine.
Molecular consequence: missense variant.
Genome position (GRCh38, 1-based): chr2:169,152,947, C>T on the plus strand (G>A on the coding strand, the complement: LRP2 is on the minus strand). VCF-style: chr2-169152947-C-T. GRCh37 (hg19) VCF-style: chr2-170009457-C-T.
Other names: short protein forms V4105M.
Identifiers: ClinVar variation 2761407 (VCV002761407.3), dbSNP rs1686200077, ClinGen allele CA349135737.

ClinVar aggregate classification (germline): Uncertain significance (1 of 4 stars; one submission).

Submission:

Labcorp Genetics (formerly Invitae), Labcorp
Classification: Uncertain significance. Last evaluated: 2023-09-18. Review status: criteria provided, single submitter. Criteria: Invitae Variant Classification Sherloc (09022015). Collection method: clinical testing. Allele origin: germline.
Comment: In summary, the available evidence is currently insufficient to determine the role of this variant in disease. Therefore, it has been classified as a Variant of Uncertain Significance. Advanced modeling of protein sequence and biophysical properties (such as structural, functional, and spatial information, amino acid conservation, physicochemical variation, residue mobility, and thermodynamic stability) performed at Invitae indicates that this missense variant is not expected to disrupt LRP2 protein function. This variant has not been reported in the literature in individuals affected with LRP2-related conditions. This variant is not present in population databases (gnomAD no frequency). This sequence change replaces valine, which is neutral and non-polar, with methionine, which is neutral and non-polar, at codon 4105 of the LRP2 protein (p.Val4105Met).